The following is an entry in ClinVar:

ClinVar aggregate classification (germline): Benign. Review status: criteria provided, multiple submitters, no conflicts (2 of 4 stars). 3 submissions from 3 submitters: Benign (3). Last evaluated 2024-07-15.

Allele frequency attached by ClinVar (database versions not stated): gnomAD 0.38735 and 0.37969; TOPMed 0.39384; 1000 Genomes Project 30x 0.46658; gnomAD exomes 0.41236; 1000 Genomes Project 0.47085.
gnomAD v4.1: 326,244 of 802,032 alleles (41%); highest among the groups gnomAD compares: East Asian, 78%; 71,106 homozygotes.

Submissions (4):

Unidad de Genómica Garrahan, Hospital de Pediatría Garrahan
Classification: Benign. Last evaluated: 2024-07-15. Review status: criteria provided, single submitter. Criteria: ACMG Guidelines, 2015. Collection method: clinical testing. Allele origin: germline. Affected: no. Observed: 63 variant alleles.
Comment: This variant is classified as Benign based on local population frequency. This variant was detected in 68% of patients studied in a panel designed for Epileptic and Developmental Encephalopathy and Progressive Myoclonus Epilepsy. Number of patients: 63. Only high quality variants are reported.

GeneDx
Classification: Benign. Last evaluated: 2020-11-20. Review status: criteria provided, single submitter. Criteria: GeneDx Variant Classification Process June 2021. Collection method: clinical testing. Allele origin: germline. Affected: yes.

Breakthrough Genomics
Classification: Benign. Review status: criteria provided, single submitter. Criteria: ACMG Guidelines, 2015. Collection method: not provided. Allele origin: germline. Inheritance: Autosomal recessive inheritance. Affected: yes.

Dr. Peter K. Rogan Lab, Western University
No classification provided (evidence only). Condition: Hepatocellular carcinoma. Review status: no classification provided. Collection method: in vitro. Allele origin: not applicable. Functional consequence: retained intron. Not counted in ClinVar's aggregate classification.

NM_015192.4(PLCB1):c.1679-56A>G

Gene: PLCB1 (phospholipase C beta 1; plus strand). Cytogenetic location: 20p12.3.
Variant type: single nucleotide variant.
Coding change: c.1679-56A>G on transcript NM_015192.4 (MANE Select); 56 bases into the intron before coding-DNA position 1679, A replaced by G.
Molecular consequence: intron variant.
Genome position (GRCh38, 1-based): chr20:8,727,253, A>G. VCF-style: chr20-8727253-A-G. GRCh37 (hg19) VCF-style: chr20-8707900-A-G.
Other names: NC_000020.10:g.8707900A>G; c.1679-56A>G (NM_182734.3).
Identifiers: ClinVar variation 1245443 (VCV001245443.6), dbSNP rs1015171, ClinGen allele CA311254359.